The following is an entry in ClinVar:

NM_021625.5(TRPV4):c.25C>G (p.Arg9Gly)

Gene: TRPV4 (transient receptor potential cation channel subfamily V member 4; minus strand). Cytogenetic location: 12q24.11.
Variant type: single nucleotide variant.
Coding change: c.25C>G on transcript NM_021625.5 (MANE Select); coding-DNA position 25, C replaced by G.
Protein change: p.Arg9Gly; replaces arginine 9 with glycine.
Molecular consequence: missense variant.
Genome position (GRCh38, 1-based): chr12:109,814,772, G>C on the plus strand (C>G on the coding strand, the complement: TRPV4 is on the minus strand). VCF-style: chr12-109814772-G-C. GRCh37 (hg19) VCF-style: chr12-110252577-G-C.
Other names: c.25C>G, p.Arg9Gly (NM_147204.3, NM_001177428.2, NM_001177431.2 and 1 more transcripts); short protein forms R9G.
Identifiers: ClinVar variation 2091972 (VCV002091972.4), dbSNP rs758741868, ClinGen allele CA386661216.

ClinVar aggregate classification (germline): Uncertain significance (1 of 4 stars; one submission).

Conditions:
Charcot-Marie-Tooth disease axonal type 2C (HMSN2C). Also called: Charcot-Marie-Tooth Disease Type 2, TRPV4-Related (CMT2C); CHARCOT-MARIE-TOOTH DISEASE, AXONAL, AUTOSOMAL DOMINANT, TYPE 2C; Charcot-Marie-Tooth Neuropathy Type 2C. Identifiers: Orphanet 99937, MedGen C1853710, MONDO:0011633, OMIM 606071.

gnomAD v4.1: 2 of 1,549,518 alleles (0.00013%); highest among the groups gnomAD compares: Non-Finnish European, 0.00017%; no homozygotes.

Submission:

Labcorp Genetics (formerly Invitae), Labcorp
Classification: Uncertain significance for Charcot-Marie-Tooth disease axonal type 2C. Last evaluated: 2022-02-02. Review status: criteria provided, single submitter. Criteria: Invitae Variant Classification Sherloc (09022015). Collection method: clinical testing. Allele origin: germline.
Comment: Advanced modeling of protein sequence and biophysical properties (such as structural, functional, and spatial information, amino acid conservation, physicochemical variation, residue mobility, and thermodynamic stability) performed at Invitae indicates that this missense variant is not expected to disrupt TRPV4 protein function. This variant has not been reported in the literature in individuals affected with TRPV4-related conditions. This variant is not present in population databases (gnomAD no frequency). This sequence change replaces arginine, which is basic and polar, with glycine, which is neutral and non-polar, at codon 9 of the TRPV4 protein (p.Arg9Gly). In summary, the available evidence is currently insufficient to determine the role of this variant in disease. Therefore, it has been classified as a Variant of Uncertain Significance.